The following is an entry in ClinVar:

ClinVar aggregate classification (germline): Uncertain significance. Review status: criteria provided, multiple submitters, no conflicts (2 of 4 stars). 2 submissions from 2 submitters: Uncertain significance (2). Last evaluated 2025-09-21.

gnomAD v4.1: 1 of 1,614,004 alleles (0.000062%); highest among the groups gnomAD compares: Non-Finnish European, 0.000085%; no homozygotes.

Submissions (2):

Labcorp Genetics (formerly Invitae), Labcorp
Classification: Uncertain significance. Last evaluated: 2025-09-21. Review status: criteria provided, single submitter. Criteria: Invitae Variant Classification Sherloc (09022015). Collection method: clinical testing. Allele origin: germline.
Comment: This sequence change replaces threonine, which is neutral and polar, with proline, which is neutral and non-polar, at codon 1123 of the IGSF10 protein (p.Thr1123Pro). This variant is not present in population databases (gnomAD no frequency). This variant has not been reported in the literature in individuals affected with IGSF10-related conditions. ClinVar contains an entry for this variant (Variation ID: 4037893). An algorithm developed to predict the effect of missense changes on protein structure and function outputs the following: PolyPhen-2: "Benign". The proline amino acid residue is found in multiple mammalian species, which suggests that this missense change does not adversely affect protein function. In summary, the available evidence is currently insufficient to determine the role of this variant in disease. Therefore, it has been classified as a Variant of Uncertain Significance.

Ambry Genetics
Classification: Uncertain significance. Last evaluated: 2025-04-12. Review status: criteria provided, single submitter. Criteria: Ambry Variant Classification Scheme 2023. Collection method: clinical testing. Allele origin: germline.

NM_178822.5(IGSF10):c.3367A>C (p.Thr1123Pro)

Gene: IGSF10 (immunoglobulin superfamily member 10; minus strand). Cytogenetic location: 3q25.1.
Variant type: single nucleotide variant.
Coding change: c.3367A>C on transcript NM_178822.5 (MANE Select); coding-DNA position 3367, A replaced by C.
Protein change: p.Thr1123Pro; replaces threonine 1123 with proline.
Molecular consequence: missense variant.
Genome position (GRCh38, 1-based): chr3:151,446,614, T>G on the plus strand (A>C on the coding strand, the complement: IGSF10 is on the minus strand). VCF-style: chr3-151446614-T-G. GRCh37 (hg19) VCF-style: chr3-151164402-T-G.
Other names: c.3367A>C, p.Thr1123Pro (NM_001385060.1, NM_001385061.1, NM_001385062.1 and 1 more transcripts); short protein forms T1123P.
Identifiers: ClinVar variation 4037893 (VCV004037893.2).
Genomic context (GRCh38, chr3:151,446,614, plus strand): 5'-TGACTGCACCAGTTGGAGTCACTTGGGAAATTTCAGTCCTGAAATATTTTATTGTGGGTG[T>G]TGTTTTCTCTACACTGGGTTTGTTCTCAAGTAGTAATAGTGGATTCTGGACTAGAGTTGT-3'
Protein context (NP_849144.2, residues 1113-1133): LENKPSVEKT[Thr1123Pro]PTIKYFRTEI